The following is an entry in ClinVar:

NM_052867.4(NALCN):c.1545C>A (p.Ser515Arg)

Gene: NALCN (sodium leak channel, non-selective; minus strand). Cytogenetic location: 13q33.1.
Variant type: single nucleotide variant.
Coding change: c.1545C>A on transcript NM_052867.4 (MANE Select); coding-DNA position 1545, C replaced by A.
Protein change: p.Ser515Arg; replaces serine 515 with arginine.
Molecular consequence: missense variant.
Genome position (GRCh38, 1-based): chr13:101,229,474, G>T on the plus strand (C>A on the coding strand, the complement: NALCN is on the minus strand). VCF-style: chr13-101229474-G-T. GRCh37 (hg19) VCF-style: chr13-101881825-G-T.
Other names: c.1545C>A, p.Ser515Arg (NM_001350748.2, NM_001350749.2); c.1458C>A, p.Ser486Arg (NM_001350750.2, NM_001350751.2); short protein forms S486R, S515R.
Identifiers: ClinVar variation 1314478 (VCV001314478.2), dbSNP rs2140132821, ClinGen allele CA388704372.

ClinVar aggregate classification (germline): Uncertain significance (1 of 4 stars; one submission).

Submission:

GeneDx
Classification: Uncertain significance. Last evaluated: 2021-04-07. Review status: criteria provided, single submitter. Criteria: GeneDx Variant Classification Process June 2021. Collection method: clinical testing. Allele origin: germline. Affected: yes.
Comment: Not observed in large population cohorts (Lek et al., 2016); In silico analysis supports that this missense variant has a deleterious effect on protein structure/function; Has not been previously published as pathogenic or benign to our knowledge